The following is an entry in ClinVar:

NM_004958.4(MTOR):c.1735G>A (p.Val579Met)

Gene: MTOR (mechanistic target of rapamycin kinase; minus strand). Cytogenetic location: 1p36.22.
Variant type: single nucleotide variant.
Coding change: c.1735G>A on transcript NM_004958.4 (MANE Select); coding-DNA position 1735, G replaced by A.
Protein change: p.Val579Met; replaces valine 579 with methionine.
Molecular consequence: missense variant.
Genome position (GRCh38, 1-based): chr1:11,240,354, C>T on the plus strand (G>A on the coding strand, the complement: MTOR is on the minus strand). VCF-style: chr1-11240354-C-T. GRCh37 (hg19) VCF-style: chr1-11300411-C-T.
Other names: c.1735G>A, p.Val579Met (NM_001386500.1); c.487G>A, p.Val163Met (NM_001386501.1); short protein forms V163M, V579M.
Identifiers: ClinVar variation 1313981 (VCV001313981.2), dbSNP rs1260620990, ClinGen allele CA338392009.

ClinVar aggregate classification (germline): Uncertain significance (1 of 4 stars; one submission).

Allele frequency attached by ClinVar (database versions not stated): gnomAD exomes below 0.00001; TOPMed below 0.00001.
gnomAD v4.1: 4 of 1,612,276 alleles (0.00025%); highest among the groups gnomAD compares: Non-Finnish European, 0.00034%; no homozygotes.

Submission:

GeneDx
Classification: Uncertain significance. Last evaluated: 2021-01-08. Review status: criteria provided, single submitter. Criteria: GeneDx Variant Classification Process June 2021. Collection method: clinical testing. Allele origin: germline. Affected: yes.
Comment: In silico analysis supports that this missense variant does not alter protein structure/function; Has not been previously published as pathogenic or benign to our knowledge